The following is an entry in ClinVar:

NM_000021.4(PSEN1):c.488A>G (p.His163Arg)

Gene: PSEN1 (presenilin 1; plus strand). Cytogenetic location: 14q24.2.
Variant type: single nucleotide variant.
Coding change: c.488A>G on transcript NM_000021.4 (MANE Select); coding-DNA position 488, A replaced by G.
Protein change: p.His163Arg; replaces histidine 163 with arginine.
Molecular consequence: missense variant.
Genome position (GRCh38, 1-based): chr14:73,186,860, A>G. VCF-style: chr14-73186860-A-G. GRCh37 (hg19) VCF-style: chr14-73653568-A-G.
Other names: c.476A>G, p.His159Arg (NM_007318.3); short protein forms H163R, H159R.
Identifiers: ClinVar variation 18124 (VCV000018124.12), dbSNP rs63750590, ClinGen allele CA225034.
Genomic context (GRCh38, chr14:73,186,860, plus strand): 5'-CTTTTTAAGGGTTGTGGGACCTGTTAATTATATTGAAATGCTTTCTTTTCTAGGTCATCC[A>G]TGCCTGGCTTATTATATCATCTCTATTGTTGCTGTTCTTTTTTTCATTCATTTACTTGGG-3'
Protein context (NP_000012.1, residues 153-173): LYKYRCYKVI[His163Arg]AWLIISSLLL

ClinVar aggregate classification (germline): Pathogenic. Review status: criteria provided, multiple submitters, no conflicts (2 of 4 stars). 6 submissions from 6 submitters: Pathogenic (4). 2 of the submissions do not count toward it. Last evaluated 2025-09-03.

Conditions:
Frontotemporal dementia (FTD1). Also called: WILHELMSEN-LYNCH DISEASE; Frontotemporal lobe dementia (FLDEM); Dementia, frontotemporal, with or without parkinsonism; Frontotemporal Dementia with Parkinsonism-17 (FTDP-17); FRONTOTEMPORAL DEMENTIA WITH PARKINSONISM; FRONTOTEMPORAL LOBE DEMENTIA. Identifiers: Orphanet 282, MedGen C0338451, MONDO:0017276, OMIM 600274, HP:0002145.
Alzheimer disease 3 (AD3). Also called: ALZHEIMER DISEASE, FAMILIAL, 3. Identifiers: Orphanet 1020, MedGen C1843013, MONDO:0011913, OMIM 607822.
Acne inversa, familial, 3 (ACNINV3). Identifiers: MedGen C3151038, MONDO:0013398, OMIM 613737.
Pick disease. Also called: Pick Disease of the Brain; Pick's disease; LOBAR ATROPHY OF BRAIN; PICK DISEASE OF BRAIN; DEMENTIA WITH LOBAR ATROPHY AND NEURONAL CYTOPLASMIC INCLUSIONS. Identifiers: Orphanet 282, MedGen C0236642, MONDO:0008243, OMIM 172700.
PSEN1-related disorder. Also called: PSEN1-related condition.
Dilated cardiomyopathy 1U. Identifiers: Orphanet 154, MedGen C3160720, MONDO:0013371, OMIM 613694.

Allele frequency attached by ClinVar (database versions not stated): TOPMed below 0.00001.

Submissions (6):

Labcorp Genetics (formerly Invitae), Labcorp
Classification: Pathogenic for Alzheimer disease 3; Pick disease; Acne inversa, familial, 3; Frontotemporal dementia. Last evaluated: 2025-09-03. Review status: criteria provided, single submitter. Criteria: Invitae Variant Classification Sherloc (09022015). Collection method: clinical testing. Allele origin: germline.
Comment: This sequence change replaces histidine, which is basic and polar, with arginine, which is basic and polar, at codon 163 of the PSEN1 protein (p.His163Arg). This variant is not present in population databases (gnomAD no frequency). This missense change has been observed in individual(s) with early-onset Alzheimer's disease (EOAD) (PMID: 7596406, 8733303, 12433263, 22503161, 26337232, 27264813). It has also been observed to segregate with disease in related individuals. Invitae Evidence Modeling of clinical and family history, age, sex, and reported ancestry of multiple individuals with this PSEN1 variant has been performed. This variant is expected to be pathogenic with a positive predictive value of at least 99%. This is a validated machine learning model that incorporates the clinical features of 21,034 individuals referred to our laboratory for PSEN1 testing. ClinVar contains an entry for this variant (Variation ID: 18124). Invitae Evidence Modeling of protein sequence and biophysical properties (such as structural, functional, and spatial information, amino acid conservation, physicochemical variation, residue mobility, and thermodynamic stability) indicates that this missense variant is expected to disrupt PSEN1 protein function with a positive predictive value of 95%. Experimental studies have shown that this missense change affects PSEN1 function (PMID: 8986743, 19111578, 22461631). For these reasons, this variant has been classified as Pathogenic.

PreventionGenetics, part of Exact Sciences
Classification: Pathogenic for PSEN1-related condition. Last evaluated: 2023-08-30. Review status: criteria provided, single submitter. Criteria: ACMG Guidelines, 2015. Collection method: clinical testing. Allele origin: germline.
Comment: The PSEN1 c.488A>G variant is predicted to result in the amino acid substitution p.His163Arg. This variant has previously been reported to be causative for Alzheimer disease in many unrelated individuals (Sherrington et al. 1995. PubMed ID: 7596406; Lohmann et al. 2012. PubMed ID: 22503161). Internally, we have observed this variant in other patients with PSEN1-related disorders. Of note, two different missense variants c.487C>T (p.His163Tyr) and c.488A>C (p.His163Pro), affecting the same amino acid residue, have also been reported to be causative for Alzheimer disease (Alzheimer's Disease Collaborative Group. 1995. PubMed ID: 7550356; HGMD database). Functional studies suggested this variant reduced both Aβ40 and Aβ42 production, but increased Aβ42/Aβ 40 ratio through the effect on γ-secretase (Placanica et al. 2009. PubMed ID: 19036728; Sun et al. 2017. PubMed ID: 27930341). This variant has not been reported in a large population database, indicating this variant is rare. In summary, we classify this variant as pathogenic.

Athena Diagnostics
Classification: Pathogenic. Last evaluated: 2022-11-15. Review status: criteria provided, single submitter. Criteria: Athena Diagnostics Criteria. Collection method: clinical testing. Allele origin: unknown.
Comment: This variant has been identified in multiple unrelated individuals with clinical features associated with Alzheimer disease or dementia. This variant has not been reported in large, multi-ethnic general populations (Genome Aggregation Database (gnomAD), Cambridge, MA (URL)). Assessment of experimental evidence suggests this variant results in abnormal protein function. (PMID: 10327206, 12549925, 18045903)

Fulgent Genetics
Classification: Pathogenic for Pick disease; Frontotemporal dementia; Alzheimer disease 3; Dilated cardiomyopathy 1U; Acne inversa, familial, 3. Last evaluated: 2021-11-12. Review status: criteria provided, single submitter. Criteria: ACMG Guidelines, 2015. Collection method: clinical testing. Allele origin: unknown.

OMIM
Classification: Pathogenic for ALZHEIMER DISEASE, FAMILIAL, 3. Last evaluated: 1995-06-29. Review status: no assertion criteria provided. Collection method: literature only. Allele origin: germline. Not counted in ClinVar's aggregate classification.

VIB  Department of Molecular Genetics, University of Antwerp
No classification provided. Review status: no classification provided. Collection method: not provided. Allele origin: unknown. Not counted in ClinVar's aggregate classification.

Literature cited by the submitters: PubMed 7596406 (cited by 3 submitters); PubMed 8733303 (cited by Labcorp Genetics (formerly Invitae), Labcorp and Athena Diagnostics); PubMed 12433263 (cited by Labcorp Genetics (formerly Invitae), Labcorp and Athena Diagnostics); PubMed 22503161 (cited by Labcorp Genetics (formerly Invitae), Labcorp and Athena Diagnostics); PubMed 26337232 (cited by Labcorp Genetics (formerly Invitae), Labcorp); PubMed 27264813 (cited by Labcorp Genetics (formerly Invitae), Labcorp); PubMed 8986743 (cited by Labcorp Genetics (formerly Invitae), Labcorp and Athena Diagnostics); PubMed 19111578 (cited by Labcorp Genetics (formerly Invitae), Labcorp); PubMed 22461631 (cited by Labcorp Genetics (formerly Invitae), Labcorp and Athena Diagnostics); PubMed 10327206 (cited by Athena Diagnostics); PubMed 20049724 (cited by Athena Diagnostics); PubMed 8634712 (cited by Athena Diagnostics); PubMed 9521423 (cited by Athena Diagnostics); PubMed 18045903 (cited by Athena Diagnostics); PubMed 7623585 (cited by Athena Diagnostics); PubMed 8538334 (cited by Athena Diagnostics); PubMed 8905716 (cited by Athena Diagnostics); PubMed 9804121 (cited by Athena Diagnostics); PubMed 11524469 (cited by Athena Diagnostics); PubMed 14769392 (cited by Athena Diagnostics); PubMed 20157243 (cited by Athena Diagnostics); PubMed 22475797 (cited by Athena Diagnostics); PubMed 23638752 (cited by Athena Diagnostics); PubMed 24559647 (cited by Athena Diagnostics); PubMed 25323700 (cited by Athena Diagnostics); PubMed 21559374 (cited by Athena Diagnostics); PubMed 12549925 (cited by Athena Diagnostics); PubMed 25285942 (cited by Athena Diagnostics); PubMed 8962160 (cited by Athena Diagnostics); PubMed 22956200 (cited by Athena Diagnostics); PubMed 22242180 (cited by Athena Diagnostics).